The following is an entry in ClinVar:

ClinVar aggregate classification (germline): Uncertain significance. Review status: criteria provided, multiple submitters, no conflicts (2 of 4 stars). 2 submissions from 2 submitters: Uncertain significance (2). Last evaluated 2024-07-22.

Conditions:
Birt-Hogg-Dube syndrome. Also called: Birt Hogg Dubé syndrome. Identifiers: Orphanet 122, MedGen C0346010, MONDO:0800444.
Hereditary cancer-predisposing syndrome. Also called: Neoplastic Syndromes, Hereditary; Hereditary neoplastic syndrome; Tumor predisposition; Hereditary Cancer Syndrome. Identifiers: Orphanet 140162, MedGen C0027672, MeSH D009386, MONDO:0015356.

Submissions (2):

Labcorp Genetics (formerly Invitae), Labcorp
Classification: Uncertain significance for Birt-Hogg-Dube syndrome. Last evaluated: 2024-07-22. Review status: criteria provided, single submitter. Criteria: Invitae Variant Classification Sherloc (09022015). Collection method: clinical testing. Allele origin: germline.
Comment: This sequence change replaces arginine, which is basic and polar, with leucine, which is neutral and non-polar, at codon 401 of the FLCN protein (p.Arg401Leu). This variant is not present in population databases (gnomAD no frequency). This variant has not been reported in the literature in individuals affected with FLCN-related conditions. Advanced modeling of protein sequence and biophysical properties (such as structural, functional, and spatial information, amino acid conservation, physicochemical variation, residue mobility, and thermodynamic stability) performed at Invitae indicates that this missense variant is not expected to disrupt FLCN protein function with a negative predictive value of 80%. In summary, the available evidence is currently insufficient to determine the role of this variant in disease. Therefore, it has been classified as a Variant of Uncertain Significance.

Ambry Genetics
Classification: Uncertain significance for Hereditary cancer-predisposing syndrome. Last evaluated: 2024-05-21. Review status: criteria provided, single submitter. Criteria: Ambry Variant Classification Scheme 2023. Collection method: clinical testing. Allele origin: germline.
Comment: The p.R401L variant (also known as c.1202G>T), located in coding exon 8 of the FLCN gene, results from a G to T substitution at nucleotide position 1202. The arginine at codon 401 is replaced by leucine, an amino acid with dissimilar properties. This amino acid position is conserved. In addition, this alteration is predicted to be deleterious by in silico analysis. Based on the available evidence, the clinical significance of this variant remains unclear.

NM_144997.7(FLCN):c.1202G>T (p.Arg401Leu)

Gene: FLCN (folliculin; minus strand). Cytogenetic location: 17p11.2.
Variant type: single nucleotide variant.
Coding change: c.1202G>T on transcript NM_144997.7 (MANE Select); coding-DNA position 1202, G replaced by T.
Protein change: p.Arg401Leu; replaces arginine 401 with leucine.
Molecular consequence: missense variant.
Genome position (GRCh38, 1-based): chr17:17,216,478, C>A on the plus strand (G>T on the coding strand, the complement: FLCN is on the minus strand). VCF-style: chr17-17216478-C-A. GRCh37 (hg19) VCF-style: chr17-17119792-C-A.
Other names: c.1256G>T, p.Arg419Leu (NM_001353229.2); c.1202G>T, p.Arg401Leu (NM_001353230.2, NM_001353231.2); short protein forms R419L, R401L.
Identifiers: ClinVar variation 3279033 (VCV003279033.3).